The following is an entry in ClinVar:

ClinVar aggregate classification (germline): Uncertain significance (1 of 4 stars; one submission).

gnomAD v4.1: 1 of 1,611,278 alleles (0.000062%); highest among the groups gnomAD compares: Non-Finnish European, 0.000085%; no homozygotes.

Submission:

Labcorp Genetics (formerly Invitae), Labcorp
Classification: Uncertain significance. Last evaluated: 2025-06-22. Review status: criteria provided, single submitter. Criteria: Invitae Variant Classification Sherloc (09022015). Collection method: clinical testing. Allele origin: germline.
Comment: This sequence change replaces methionine, which is neutral and non-polar, with isoleucine, which is neutral and non-polar, at codon 289 of the EPAS1 protein (p.Met289Ile). This variant is present in population databases (rs776645971, gnomAD 0.0009%). This variant has not been reported in the literature in individuals affected with EPAS1-related conditions. ClinVar contains an entry for this variant (Variation ID: 3666002). An algorithm developed to predict the effect of missense changes on protein structure and function (PolyPhen-2) suggests that this variant is likely to be disruptive. In summary, the available evidence is currently insufficient to determine the role of this variant in disease. Therefore, it has been classified as a Variant of Uncertain Significance.

NM_001430.5(EPAS1):c.867G>C (p.Met289Ile)

Gene: EPAS1 (endothelial PAS domain protein 1; plus strand). Cytogenetic location: 2p21.
Variant type: single nucleotide variant.
Coding change: c.867G>C on transcript NM_001430.5 (MANE Select); coding-DNA position 867, G replaced by C.
Protein change: p.Met289Ile; replaces methionine 289 with isoleucine.
Molecular consequence: missense variant.
Genome position (GRCh38, 1-based): chr2:46,369,914, G>C. VCF-style: chr2-46369914-G-C. GRCh37 (hg19) VCF-style: chr2-46597053-G-C.
Other names: short protein forms M289I.
Identifiers: ClinVar variation 3666002 (VCV003666002.2).
Genomic context (GRCh38, chr2:46,369,914, plus strand): 5'-TGAGGAGCTGCTTGGCCGCTCAGCCTATGAATTCTACCATGCGCTAGACTCCGAGAACAT[G>C]ACCAAGAGTCACCAGAACTGTGAGTTCCAGGAGTGCCCCTTGTGGCTTCCTTGTGTCTGT-3'
Protein context (NP_001421.2, residues 279-299): EFYHALDSEN[Met289Ile]TKSHQNLCTK